The following is an entry in ClinVar:

NM_014855.3(AP5Z1):c.1312-9T>G

Gene: AP5Z1 (adaptor related protein complex 5 subunit zeta 1; plus strand). Cytogenetic location: 7p22.1.
Variant type: single nucleotide variant.
Coding change: c.1312-9T>G on transcript NM_014855.3 (MANE Select); 9 bases into the intron before coding-DNA position 1312, T replaced by G.
Molecular consequence: intron variant. On other transcripts: non-coding transcript variant (1).
Genome position (GRCh38, 1-based): chr7:4,787,625, T>G. VCF-style: chr7-4787625-T-G. GRCh37 (hg19) VCF-style: chr7-4827256-T-G.
Other names: c.1312-9T>G (LRG_1247t1); c.844-9T>G (NM_001364858.1).
Identifiers: ClinVar variation 657580 (VCV000657580.8), dbSNP rs964732025, ClinGen allele CA153029016.

ClinVar aggregate classification (germline): Uncertain significance (1 of 4 stars; one submission).

Conditions:
Hereditary spastic paraplegia 48. Also called: SPASTIC PARAPLEGIA 48, AUTOSOMAL RECESSIVE; Spastic paraplegia 48. Identifiers: Orphanet 306511, MedGen C3150901, MONDO:0013342, OMIM 613647.

Allele frequency attached by ClinVar (database versions not stated): gnomAD exomes 0.00001; TOPMed 0.00001.

Submission:

Labcorp Genetics (formerly Invitae), Labcorp
Classification: Uncertain significance for Hereditary spastic paraplegia 48. Last evaluated: 2022-03-18. Review status: criteria provided, single submitter. Criteria: Invitae Variant Classification Sherloc (09022015). Collection method: clinical testing. Allele origin: germline.
Comment: This sequence change falls in intron 10 of the AP5Z1 gene. It does not directly change the encoded amino acid sequence of the AP5Z1 protein. This variant is not present in population databases (gnomAD no frequency). This variant has not been reported in the literature in individuals affected with AP5Z1-related conditions. ClinVar contains an entry for this variant (Variation ID: 657580). Algorithms developed to predict the effect of sequence changes on RNA splicing suggest that this variant may disrupt the consensus splice site. In summary, the available evidence is currently insufficient to determine the role of this variant in disease. Therefore, it has been classified as a Variant of Uncertain Significance.